The following is an entry in ClinVar:

ClinVar aggregate classification (germline): Conflicting classifications of pathogenicity. Review status: criteria provided, conflicting classifications (1 of 4 stars). 5 submissions from 5 submitters: Uncertain significance (4); Likely benign (1). Last evaluated 2023-06-08.

Conditions:
Hereditary cancer-predisposing syndrome. Also called: Hereditary neoplastic syndrome; Tumor predisposition; Hereditary Cancer Syndrome; Neoplastic Syndromes, Hereditary. Identifiers: Orphanet 140162, MedGen C0027672, MeSH D009386, MONDO:0015356.
Breast-ovarian cancer, familial, susceptibility to, 2 (BROVCA2). Also called: BRCA2 Hereditary Breast and Ovarian Cancer. Identifiers: Orphanet 145, MedGen C2675520, MONDO:0012933, OMIM 612555. Disease mechanism: loss of function.
Hereditary breast ovarian cancer syndrome. Also called: BRCA1- and BRCA2-Associated Hereditary Breast and Ovarian Cancer; Hereditary breast and/or ovarian cancer syndrome; Hereditary breast and ovarian cancer syndrome (HBOC); Breast and ovarian cancer; Hereditary breast and ovarian cancer; Hereditary breast and ovarian cancer syndrome. Identifiers: Orphanet 145, MedGen C0677776, MeSH D061325, MONDO:0003582. Disease mechanism: loss of function.

Allele frequency attached by ClinVar (database versions not stated): TOPMed below 0.00001.
gnomAD v4.1: 1 of 1,585,630 alleles (0.000063%); highest among the groups gnomAD compares: Non-Finnish European, 0.000085%; no homozygotes.

Submissions (5):

All of Us Research Program, National Institutes of Health
Classification: Uncertain significance for Breast-ovarian cancer, familial, susceptibility to, 2. Last evaluated: 2023-06-08. Review status: criteria provided, single submitter. Criteria: ACMG Guidelines, 2015. Collection method: clinical testing. Allele origin: germline. Inheritance: Autosomal dominant inheritance. Observed: 1 variant allele, 1 heterozygote.
Comment: This missense variant replaces aspartic acid with glycine at codon 878 of the BRCA2 protein. Computational prediction suggests that this variant may not impact protein structure and function (internally defined REVEL score threshold <= 0.5, PMID: 27666373). To our knowledge, functional studies have not been reported for this variant. This variant has not been reported in individuals affected with BRCA2-related disorders in the literature. This variant has not been identified in the general population by the Genome Aggregation Database (gnomAD). The available evidence is insufficient to determine the role of this variant in disease conclusively. Therefore, this variant is classified as a Variant of Uncertain Significance.

This study involves interpretation of variants in research participants for the purpose of population health screening. Participant phenotype was not available at the time of variant classification. Additional details can be found in publication PMID: 35346344, PMCID: PMC8962531

University of Washington Department of Laboratory Medicine, University of Washington
Classification: Likely benign for Hereditary cancer-predisposing syndrome. Last evaluated: 2023-03-23. Review status: criteria provided, single submitter. Criteria: Dines et al. (Genet Med. 2020). Collection method: curation. Allele origin: germline.
Comment: Missense variant in a coldspot region where missense variants are very unlikely to be pathogenic (PMID:31911673).

BRCA2 exon 11 coldspot. Reclassification based on statistical prior probability.

Women's Health and Genetics/Laboratory Corporation of America, LabCorp
Classification: Uncertain significance. Last evaluated: 2021-11-05. Review status: criteria provided, single submitter. Criteria: LabCorp Variant Classification Summary - May 2015. Collection method: clinical testing. Allele origin: germline.

Labcorp Genetics (formerly Invitae), Labcorp
Classification: Uncertain significance for Hereditary breast ovarian cancer syndrome. Last evaluated: 2021-08-28. Review status: criteria provided, single submitter. Criteria: Invitae Variant Classification Sherloc (09022015). Collection method: clinical testing. Allele origin: germline.
Comment: This sequence change replaces aspartic acid with glycine at codon 878 of the BRCA2 protein (p.Asp878Gly). The aspartic acid residue is weakly conserved and there is a moderate physicochemical difference between aspartic acid and glycine. This variant is not present in population databases (ExAC no frequency). This variant has not been reported in the literature in individuals affected with BRCA2-related conditions. Algorithms developed to predict the effect of missense changes on protein structure and function (SIFT, PolyPhen-2, Align-GVGD) all suggest that this variant is likely to be tolerated. In summary, the available evidence is currently insufficient to determine the role of this variant in disease. Therefore, it has been classified as a Variant of Uncertain Significance.

GeneDx
Classification: Uncertain significance. Last evaluated: 2019-07-23. Review status: criteria provided, single submitter. Criteria: GeneDx Variant Classification Process June 2021. Collection method: clinical testing. Allele origin: germline. Affected: yes.
Comment: Not observed in large population cohorts (Lek et al., 2016); In silico analysis, which includes protein predictors and evolutionary conservation, supports that this variant does not alter protein structure/function; Has not been previously published as pathogenic or benign to our knowledge

NM_000059.4(BRCA2):c.2633A>G (p.Asp878Gly)

Gene: BRCA2 (BRCA2 DNA repair associated; plus strand). Cytogenetic location: 13q13.1.
Variant type: single nucleotide variant.
Coding change: c.2633A>G on transcript NM_000059.4 (MANE Select); coding-DNA position 2633, A replaced by G.
Protein change: p.Asp878Gly; replaces aspartic acid 878 with glycine.
Molecular consequence: missense variant.
Genome position (GRCh38, 1-based): chr13:32,336,988, A>G. VCF-style: chr13-32336988-A-G. GRCh37 (hg19) VCF-style: chr13-32911125-A-G.
Other names: short protein forms D878G.
Identifiers: ClinVar variation 575299 (VCV000575299.11), dbSNP rs765618026, ClinGen allele CA387773235.